The following is an entry in ClinVar:

NC_000017.10:g.(?_41197637)_(41247959_?)del

Gene: BRCA1 (BRCA1 DNA repair associated; minus strand). Cytogenetic location: 17q21.31.
Variant type: Deletion.
Identifiers: ClinVar variation 3242995 (VCV003242995.1).

ClinVar aggregate classification (germline): Pathogenic (1 of 4 stars; one submission).

Conditions:
Hereditary breast ovarian cancer syndrome. Also called: Hereditary breast and ovarian cancer syndrome; Hereditary breast and ovarian cancer; Hereditary breast and ovarian cancer syndrome (HBOC); Breast and ovarian cancer; Hereditary breast and/or ovarian cancer syndrome; BRCA1- and BRCA2-Associated Hereditary Breast and Ovarian Cancer. Identifiers: Orphanet 145, MedGen C0677776, MeSH D061325, MONDO:0003582. Disease mechanism: loss of function.

Submission:

Labcorp Genetics (formerly Invitae), Labcorp
Classification: Pathogenic for Hereditary breast ovarian cancer syndrome. Last evaluated: 2023-06-24. Review status: criteria provided, single submitter. Criteria: Invitae Variant Classification Sherloc (09022015). Collection method: clinical testing. Allele origin: unknown.
Comment: For these reasons, this variant has been classified as Pathogenic. This variant disrupts a region of the BRCA1 protein in which other variant(s) (p.Tyr1853Cys) have been determined to be pathogenic (PMID: 14534301, 20378548, 20516115, 23842040, 29176636, 29470806, 30209399, 30287823, 30374176). This suggests that this is a clinically significant region of the protein, and that variants that disrupt it are likely to be disease-causing. This variant has not been reported in the literature in individuals affected with BRCA1-related conditions. This variant is a gross deletion of the genomic region encompassing exon(s) 9-23 of the BRCA1 gene, which includes the termination codon. This deletion extends beyond the assayed region for this gene and therefore may encompass additional genes. While this deletion is not anticipated to lead to nonsense mediated decay, it is expected to alter mRNA translation or result in a truncated protein product.

Literature cited by the submitters: PubMed 14534301; PubMed 20378548; PubMed 20516115; PubMed 23842040; PubMed 29176636; PubMed 29470806; PubMed 30209399; PubMed 30287823; PubMed 30374176.